The following is an entry in ClinVar:

ClinVar aggregate classification (germline): Uncertain significance. Review status: criteria provided, multiple submitters, no conflicts (2 of 4 stars). 2 submissions from 2 submitters: Uncertain significance (2). Last evaluated 2026-01-01.

Conditions:
Inborn genetic diseases. Identifiers: MedGen C0950123, MeSH D030342.

Allele frequency attached by ClinVar (database versions not stated): 1000 Genomes Project 0.00020; gnomAD 0.00020; gnomAD exomes 0.00001; ExAC 0.00006; 1000 Genomes Project 30x 0.00016; TOPMed 0.00023; ESP Exome Variant Server 0.00031.
gnomAD v4.1: 51 of 1,614,034 alleles (0.0032%); highest among the groups gnomAD compares: African/African-American, 0.067%; no homozygotes.

Submissions (2):

Labcorp Genetics (formerly Invitae), Labcorp
Classification: Uncertain significance. Last evaluated: 2026-01-01. Review status: criteria provided, single submitter. Criteria: Invitae Variant Classification Sherloc (09022015). Collection method: clinical testing. Allele origin: germline.
Comment: This sequence change replaces isoleucine, which is neutral and non-polar, with valine, which is neutral and non-polar, at codon 122 of the RAD51 protein (p.Ile122Val). This variant is present in population databases (rs143362775, gnomAD 0.05%), and has an allele count higher than expected for a pathogenic variant. This variant has not been reported in the literature in individuals affected with RAD51-related conditions. ClinVar contains an entry for this variant (Variation ID: 1733578). Invitae Evidence Modeling of protein sequence and biophysical properties (such as structural, functional, and spatial information, amino acid conservation, physicochemical variation, residue mobility, and thermodynamic stability) indicates that this missense variant is not expected to disrupt RAD51 protein function with a negative predictive value of 80%. In summary, the available evidence is currently insufficient to determine the role of this variant in disease. Therefore, it has been classified as a Variant of Uncertain Significance.

Ambry Genetics
Classification: Uncertain significance for Inborn genetic diseases. Last evaluated: 2021-08-13. Review status: criteria provided, single submitter. Criteria: Ambry Variant Classification Scheme 2023. Collection method: clinical testing. Allele origin: germline.

NM_002875.5(RAD51):c.364A>G (p.Ile122Val)

Gene: RAD51 (RAD51 recombinase; plus strand). Cytogenetic location: 15q15.1.
Variant type: single nucleotide variant.
Coding change: c.364A>G on transcript NM_002875.5 (MANE Select); coding-DNA position 364, A replaced by G.
Protein change: p.Ile122Val; replaces isoleucine 122 with valine.
Molecular consequence: missense variant.
Genome position (GRCh38, 1-based): chr15:40,709,045, A>G. VCF-style: chr15-40709045-A-G. GRCh37 (hg19) VCF-style: chr15-41001243-A-G.
Other names: c.367A>G, p.Ile123Val (NM_001164269.2, NM_133487.4); c.364A>G, p.Ile122Val (NM_001164270.2); short protein forms I122V, I123V.
Identifiers: ClinVar variation 1733578 (VCV001733578.7), dbSNP rs143362775, ClinGen allele CA7483997.
Genomic context (GRCh38, chr15:40,709,045, plus strand): 5'-TTTGTATTATGCTAAGAGTTATTTCTTATCGCTTTTTTAGGTGGAATTGAGACTGGATCT[A>G]TCACAGAAATGTTTGGAGAATTCCGAACTGGGAAGACCCAGATCTGTCATACGCTAGCTG-3'
Protein context (NP_002866.2, residues 112-132): LLQGGIETGS[Ile122Val]TEMFGEFRTG